The following is an entry in ClinVar:

ClinVar aggregate classification (germline): Pathogenic (1 of 4 stars; one submission).

Conditions:
Hereditary spherocytosis type 1. Also called: Spherocytosis type 1; ANK1-Related Spherocytosis. Identifiers: Orphanet 822, MedGen C2674218, MONDO:0008447, OMIM 182900.

Submission:

Juno Genomics, Hangzhou Juno Genomics, Inc
Classification: Pathogenic for Hereditary spherocytosis type 1. Review status: criteria provided, single submitter. Criteria: ACMG Guidelines, 2015. Collection method: clinical testing. Allele origin: germline. Affected: yes.
Comment: Absent from controls (or at extremely low frequency if recessive) in Genome Aggregation Database, Exome Sequencing Project, 1000 Genomes Project, or Exome Aggregation Consortium.;Null variant in a gene where loss of function (LOF) is a known mechanism of disease.;Patient's phenotype or family history is highly specific for a disease with a single genetic etiology.

NM_000037.4(ANK1):c.2230C>T (p.Gln744Ter)

Gene: ANK1 (ankyrin 1; minus strand). Cytogenetic location: 8p11.21.
Variant type: single nucleotide variant.
Coding change: c.2230C>T on transcript NM_000037.4 (MANE Select); coding-DNA position 2230, C replaced by T.
Protein change: p.Gln744Ter; replaces glutamine 744 with a stop codon.
Molecular consequence: nonsense.
Genome position (GRCh38, 1-based): chr8:41,704,106, G>A on the plus strand (C>T on the coding strand, the complement: ANK1 is on the minus strand). VCF-style: chr8-41704106-G-A. GRCh37 (hg19) VCF-style: chr8-41561624-G-A.
Other names: c.2329C>T, p.Gln777Ter (NM_001142446.2); c.2230C>T, p.Gln744Ter (NM_020475.3, NM_020476.3, NM_020477.3); short protein forms Q744*, Q777*.
Identifiers: ClinVar variation 3382291 (VCV003382291.2).